The following is an entry in ClinVar:

ClinVar aggregate classification (germline): Uncertain significance (1 of 4 stars; one submission).

Conditions:
Charcot-Marie-Tooth disease dominant intermediate E. Also called: CHARCOT-MARIE-TOOTH NEUROPATHY WITH FOCAL SEGMENTAL GLOMERULONEPHRITIS. Identifiers: Orphanet 93114, MedGen C4302667, MONDO:0013758, OMIM 614455.
Focal segmental glomerulosclerosis 5 (FSGS5). Identifiers: Orphanet 656, MedGen C2750475, MONDO:0013191, OMIM 613237.

Allele frequency attached by ClinVar (database versions not stated): gnomAD exomes below 0.00001.
gnomAD v4.1: 1 of 1,606,506 alleles (0.000062%); highest among the groups gnomAD compares: Non-Finnish European, 0.000085%; no homozygotes.

Submission:

Labcorp Genetics (formerly Invitae), Labcorp
Classification: Uncertain significance for Charcot-Marie-Tooth disease dominant intermediate E; Focal segmental glomerulosclerosis 5. Last evaluated: 2022-07-02. Review status: criteria provided, single submitter. Criteria: Invitae Variant Classification Sherloc (09022015). Collection method: clinical testing. Allele origin: germline.
Comment: In summary, the available evidence is currently insufficient to determine the role of this variant in disease. Therefore, it has been classified as a Variant of Uncertain Significance. Algorithms developed to predict the effect of sequence changes on RNA splicing suggest that this variant may create or strengthen a splice site. ClinVar contains an entry for this variant (Variation ID: 1437232). This variant has not been reported in the literature in individuals affected with INF2-related conditions. This variant is not present in population databases (gnomAD no frequency). This sequence change creates a premature translational stop signal (p.Arg347*) in the INF2 gene. It is expected to result in an absent or disrupted protein product. However, the current clinical and genetic evidence is not sufficient to establish whether loss-of-function variants in INF2 cause disease.

NM_022489.4(INF2):c.1039C>T (p.Arg347Ter)

Gene: INF2 (inverted formin 2; plus strand). Cytogenetic location: 14q32.33.
Variant type: single nucleotide variant.
Coding change: c.1039C>T on transcript NM_022489.4 (MANE Select); coding-DNA position 1039, C replaced by T.
Protein change: p.Arg347Ter; replaces arginine 347 with a stop codon.
Molecular consequence: nonsense.
Genome position (GRCh38, 1-based): chr14:104,707,306, C>T. VCF-style: chr14-104707306-C-T. GRCh37 (hg19) VCF-style: chr14-105173643-C-T.
Other names: c.1039C>T, p.Arg347Ter (NM_001031714.4); short protein forms R347*.
Identifiers: ClinVar variation 1437232 (VCV001437232.6), dbSNP rs2140666903, ClinGen allele CA391215722.
Genomic context (GRCh38, chr14:104,707,306, plus strand): 5'-ACTGCAGCCCAGGAATGCACCCTGGAGGAAGTGGTTGAGCGGCTCCTGTCTGTCAAGGGG[C>T]GACCCAGACCGAGCCCCCTGGTCAAGGCCCATAAAAGCGTCCAGGCCAACCTAGACCAGA-3'